The following is an entry in ClinVar:

NM_006030.4(CACNA2D2):c.1713C>G (p.Phe571Leu)

Gene: CACNA2D2 (calcium voltage-gated channel auxiliary subunit alpha2delta 2; minus strand). Cytogenetic location: 3p21.31.
Variant type: single nucleotide variant.
Coding change: c.1713C>G on transcript NM_006030.4 (MANE Select); coding-DNA position 1713, C replaced by G.
Protein change: p.Phe571Leu; replaces phenylalanine 571 with leucine.
Molecular consequence: missense variant.
Genome position (GRCh38, 1-based): chr3:50,376,023, G>C on the plus strand (C>G on the coding strand, the complement: CACNA2D2 is on the minus strand). VCF-style: chr3-50376023-G-C. GRCh37 (hg19) VCF-style: chr3-50413454-G-C.
Other names: c.1713C>G, p.Phe571Leu (NM_001005505.3, NM_001174051.3); c.1506C>G, p.Phe502Leu (NM_001291101.1); short protein forms F502L, F571L.
Identifiers: ClinVar variation 1058435 (VCV001058435.4), dbSNP rs777991152, ClinGen allele CA2418753.

ClinVar aggregate classification (germline): Uncertain significance (1 of 4 stars; one submission).

Conditions:
Developmental and epileptic encephalopathy. Identifiers: MedGen C5779964, MONDO:0100620.

Allele frequency attached by ClinVar (database versions not stated): TOPMed 0.00002; gnomAD 0.00004; ExAC 0.00005; gnomAD exomes 0.00008.
gnomAD v4.1: 59 of 1,613,228 alleles (0.0037%); highest among the groups gnomAD compares: Admixed American, 0.0067%; no homozygotes.

Submission:

Labcorp Genetics (formerly Invitae), Labcorp
Classification: Uncertain significance for Early-infantile DEE. Last evaluated: 2022-07-19. Review status: criteria provided, single submitter. Criteria: Invitae Variant Classification Sherloc (09022015). Collection method: clinical testing. Allele origin: germline.
Comment: In summary, the available evidence is currently insufficient to determine the role of this variant in disease. Therefore, it has been classified as a Variant of Uncertain Significance. Algorithms developed to predict the effect of missense changes on protein structure and function are either unavailable or do not agree on the potential impact of this missense change (SIFT: "Deleterious"; PolyPhen-2: "Benign"; Align-GVGD: "Class C0"). ClinVar contains an entry for this variant (Variation ID: 1058435). This variant has not been reported in the literature in individuals affected with CACNA2D2-related conditions. This variant is present in population databases (rs777991152, gnomAD 0.1%). This sequence change replaces phenylalanine, which is neutral and non-polar, with leucine, which is neutral and non-polar, at codon 571 of the CACNA2D2 protein (p.Phe571Leu).